The following is an entry in ClinVar:

ClinVar aggregate classification (germline): Uncertain significance (1 of 4 stars; one submission).

Submission:

GeneDx
Classification: Uncertain significance. Last evaluated: 2025-04-11. Review status: criteria provided, single submitter. Criteria: GeneDx Variant Classification Process June 2021. Collection method: clinical testing. Allele origin: germline. Affected: yes.
Comment: Not observed at significant frequency in large population cohorts (gnomAD); In silico analysis supports that this missense variant has a deleterious effect on protein structure/function; Has not been previously published as pathogenic or benign to our knowledge; Not located in one of the three hot-spot regions of the RYR2 gene, where the majority of pathogenic missense variants occur (PMID: 19926015); This variant is associated with the following publications: (PMID: 19926015)

NM_001035.3(RYR2):c.3199C>A (p.Pro1067Thr)

Gene: RYR2 (ryanodine receptor 2; plus strand). Cytogenetic location: 1q43.
Variant type: single nucleotide variant.
Coding change: c.3199C>A on transcript NM_001035.3 (MANE Select); coding-DNA position 3199, C replaced by A.
Protein change: p.Pro1067Thr; replaces proline 1067 with threonine.
Molecular consequence: missense variant.
Genome position (GRCh38, 1-based): chr1:237,550,676, C>A. VCF-style: chr1-237550676-C-A. GRCh37 (hg19) VCF-style: chr1-237713976-C-A.
Other names: short protein forms P1067T.
Identifiers: ClinVar variation 4282130 (VCV004282130.1).